The following is an entry in ClinVar:

ClinVar aggregate classification (germline): Uncertain significance (1 of 4 stars; one submission).

Conditions:
Juvenile polyposis syndrome (JPS). Identifiers: Orphanet 2929, MedGen C0345893, MONDO:0017380, OMIM 174900.

Submission:

Labcorp Genetics (formerly Invitae), Labcorp
Classification: Uncertain significance for Juvenile polyposis syndrome. Last evaluated: 2023-10-28. Review status: criteria provided, single submitter. Criteria: Invitae Variant Classification Sherloc (09022015). Collection method: clinical testing. Allele origin: germline.
Comment: This variant, c.472_516del, results in the deletion of 15 amino acid(s) of the SMAD4 protein (p.Val158_Leu172del), but otherwise preserves the integrity of the reading frame. This variant is not present in population databases (gnomAD no frequency). This variant has not been reported in the literature in individuals affected with SMAD4-related conditions. Experimental studies and prediction algorithms are not available or were not evaluated, and the functional significance of this variant is currently unknown. In summary, the available evidence is currently insufficient to determine the role of this variant in disease. Therefore, it has been classified as a Variant of Uncertain Significance.

NM_005359.6(SMAD4):c.472_516del (p.Val158_Leu172del)

Gene: SMAD4 (SMAD family member 4; plus strand). Cytogenetic location: 18q21.2.
Variant type: Deletion.
Coding change: c.472_516del on transcript NM_005359.6 (MANE Select); coding-DNA positions 472 to 516, 45 bases deleted.
Protein change: p.Val158_Leu172del.
Molecular consequence: inframe deletion. On other transcripts: non-coding transcript variant (2).
Genome position (GRCh38, 1-based): chr18:51,054,798-51,054,842, 45 bases deleted; deleting any 45 consecutive bases within chr18:51,054,796-51,054,842 gives the same sequence; the c. name uses the placement nearest the transcript's 3' end. GRCh37 (hg19): chr18:48,581,168-48,581,212.
Other names: c.472_516del, p.Val158_Leu172del (NM_001407041.1, NM_001407042.1, NM_001407043.1).
Identifiers: ClinVar variation 2772312 (VCV002772312.3), dbSNP rs2511374294, ClinGen allele CA2697555501.